The following is an entry in ClinVar:

NM_001099922.3(ALG13):c.135G>A (p.Thr45=)

Gene: ALG13 (ALG13 UDP-N-acetylglucosaminyltransferase subunit; plus strand). Cytogenetic location: Xq23.
Variant type: single nucleotide variant.
Coding change: c.135G>A on transcript NM_001099922.3 (MANE Select); coding-DNA position 135, G replaced by A.
Protein change: p.Thr45=; no amino-acid change (threonine 45 retained).
Molecular consequence: synonymous variant. On other transcripts: 5 prime UTR variant (6), non-coding transcript variant (1), intron variant (5).
Genome position (GRCh38, 1-based): chrX:111,682,185, G>A. VCF-style: chrX-111682185-G-A. GRCh37 (hg19) VCF-style: chrX-110925413-G-A.
Other names: c.135G>A, p.Thr45= (NM_001039210.5, NM_001168385.3, NM_001324290.2 and 2 more transcripts); c.-41G>A (NM_001257231.2, NM_001257241.3); c.-178G>A (NM_001257237.2, NM_001257239.3, NM_001257240.3 and 1 more transcripts); c.-127-51G>A (NM_001257234.2, NM_001257230.2, NM_001257235.3 and 2 more transcripts).
Identifiers: ClinVar variation 1770803 (VCV001770803.8), dbSNP rs1480398287, ClinGen allele CA518052914.
Genomic context (GRCh38, chrX:111,682,185, plus strand): 5'-CTTTCAGAAAATCGAGAGCCTTGGTTACAACCGACTTATCCTGCAAATTGGTAGAGGAAC[G>A]GTGGTACCTGAACCCTTCAGTACTGAGTCGTTTACTCTGGATGTTTACAGGTACAAGGAT-3'
Protein context (NP_001093392.1, residues 35-55): NRLILQIGRG[Thr45=]VVPEPFSTES

ClinVar aggregate classification (germline): Likely benign. Review status: criteria provided, multiple submitters, no conflicts (2 of 4 stars). 3 submissions from 3 submitters: Likely benign (3). Last evaluated 2026-08-01.

Conditions:
Developmental and epileptic encephalopathy, 36 (DEE36). Also called: Epileptic encephalopathy, early infantile, 36; Congenital disorder of glycosylation, type Is; ALG13-CDG. Identifiers: Orphanet 324422, MedGen C4317295, MONDO:0010472, OMIM 300884.
Inborn genetic diseases. Identifiers: MedGen C0950123, MeSH D030342.

Allele frequency attached by ClinVar (database versions not stated): gnomAD exomes 0.00001; TOPMed 0.00001.
gnomAD v4.1: 5 of 1,198,018 alleles (0.00042%); highest among the groups gnomAD compares: Admixed American, 0.011%; no homozygotes.

Submissions (3):

CeGaT Center for Human Genetics Tuebingen
Classification: Likely benign. Last evaluated: 2026-08-01. Review status: criteria provided, single submitter. Criteria: CeGaT Center For Human Genetics Tuebingen Variant Classification Criteria Version 2. Collection method: clinical testing. Allele origin: germline. Affected: yes. Observed: 1 variant allele.
Comment: ALG13: BP4, BP7

Labcorp Genetics (formerly Invitae), Labcorp
Classification: Likely benign for Developmental and epileptic encephalopathy, 36. Last evaluated: 2024-10-24. Review status: criteria provided, single submitter. Criteria: Invitae Variant Classification Sherloc (09022015). Collection method: clinical testing. Allele origin: germline.

Ambry Genetics
Classification: Likely benign for Inborn genetic diseases. Last evaluated: 2020-01-14. Review status: criteria provided, single submitter. Criteria: Ambry Variant Classification Scheme 2023. Collection method: clinical testing. Allele origin: germline.